The following is an entry in ClinVar:

ClinVar aggregate classification (germline): Uncertain significance (1 of 4 stars; one submission).

Submission:

Women's Health and Genetics/Laboratory Corporation of America, LabCorp
Classification: Uncertain significance. Last evaluated: 2024-06-06. Review status: criteria provided, single submitter. Criteria: LabCorp Variant Classification Summary - May 2015. Collection method: clinical testing. Allele origin: germline.
Comment: Variant summary: COL11A2 c.3173_3174delinsTA (p.Pro1058Leu) results in a non-conservative amino acid change in the encoded protein sequence. Five of five in-silico tools predict a damaging effect of the variant on protein function. The variant allele was found at a frequency of 2.2e-05 in 1613876 control chromosomes. This frequency is not significantly higher than estimated for a pathogenic variant in COL11A2 causing COL11A2-Related Disorders, allowing no conclusion about variant significance. To our knowledge, no occurrence of c.3173_3174delinsTA in individuals affected with COL11A2-Related Disorders and no experimental evidence demonstrating its impact on protein function have been reported. No submitters have cited clinical-significance assessments for this variant to ClinVar. Based on the evidence outlined above, the variant was classified as uncertain significance.

NM_080680.3(COL11A2):c.3173_3174delinsTA (p.Pro1058Leu)

Gene: COL11A2 (collagen type XI alpha 2 chain; minus strand). Cytogenetic location: 6p21.32.
Variant type: Indel.
Coding change: c.3173_3174delinsTA on transcript NM_080680.3 (MANE Select); coding-DNA positions 3173 to 3174, CG replaced by TA.
Protein change: p.Pro1058Leu; replaces proline 1058 with leucine.
Molecular consequence: missense variant.
Genome position (GRCh38, 1-based): chr6:33,171,551-33,171,552, CG replaced by TA on the plus strand (CG replaced by TA on the coding strand, the reverse complement: COL11A2 is on the minus strand). VCF-style: chr6-33171551-CG-TA. GRCh37 (hg19) VCF-style: chr6-33139328-CG-TA.
Other names: c.2993_2994delinsTA, p.Pro998Leu (NM_001424108.1); c.2327_2328delinsTA, p.Pro776Leu (NM_001424109.1); c.2147_2148delinsTA, p.Pro716Leu (NM_001424110.1, NM_001424111.1); c.1127_1128delinsTA, p.Pro376Leu (NM_001424112.1); c.2852_2853delinsTA, p.Pro951Leu (NM_080679.3); c.2915_2916delinsTA, p.Pro972Leu (NM_080681.3); short protein forms P1058L, P376L, P716L, P776L, P951L, P972L, P998L.
Identifiers: ClinVar variation 3339704 (VCV003339704.1).
Genomic context (GRCh38, chr6:33,171,551, plus strand): 5'-ACCTGGAGGCCCAGCAGGACCAGGAAGCCCCACAGGACCCTGCACTCCATCTCGGCCAGT[CG>TA]GGCCAATGGGGCCCTTCTCACCCTGTGGGACAGGAGGAAGGAGTCATGGCCTGGAGGTGA-3'
Protein context (NP_542411.2, residues 1048-1068): GVPGEKGPIG[Pro1058Leu]TGRDGVQGPV